The following is an entry in ClinVar:

ClinVar aggregate classification (germline): Uncertain significance (1 of 4 stars; one submission).

gnomAD v4.1: 1 of 1,614,170 alleles (0.000062%); no homozygotes.

Submission:

Labcorp Genetics (formerly Invitae), Labcorp
Classification: Uncertain significance. Last evaluated: 2021-04-22. Review status: criteria provided, single submitter. Criteria: Invitae Variant Classification Sherloc (09022015). Collection method: clinical testing. Allele origin: germline.
Comment: Algorithms developed to predict the effect of missense changes on protein structure and function (SIFT, PolyPhen-2, Align-GVGD) all suggest that this variant is likely to be tolerated, but these predictions have not been confirmed by published functional studies and their clinical significance is uncertain. This variant has not been reported in the literature in individuals with ARHGEF10-related conditions. This variant is not present in population databases (ExAC no frequency). This sequence change replaces phenylalanine with leucine at codon 810 of the ARHGEF10 protein (p.Phe810Leu). The phenylalanine residue is moderately conserved and there is a small physicochemical difference between phenylalanine and leucine. In summary, the available evidence is currently insufficient to determine the role of this variant in disease. Therefore, it has been classified as a Variant of Uncertain Significance.

NM_014629.4(ARHGEF10):c.2430C>G (p.Phe810Leu)

Gene: ARHGEF10 (Rho guanine nucleotide exchange factor 10; plus strand). Cytogenetic location: 8p23.3.
Variant type: single nucleotide variant.
Coding change: c.2430C>G on transcript NM_014629.4 (MANE Select); coding-DNA position 2430, C replaced by G.
Protein change: p.Phe810Leu; replaces phenylalanine 810 with leucine.
Molecular consequence: missense variant.
Genome position (GRCh38, 1-based): chr8:1,923,816, C>G. VCF-style: chr8-1923816-C-G. GRCh37 (hg19) VCF-style: chr8-1871982-C-G.
Other names: c.2316C>G, p.Phe772Leu (NM_001308152.2); c.2430C>G, p.Phe810Leu (NM_001308153.3); short protein forms F772L, F834L, F810L.
Identifiers: ClinVar variation 1347526 (VCV001347526.8), dbSNP rs1204006322, ClinGen allele CA369965897.